The following is an entry in ClinVar:

NM_000548.5(TSC2):c.5161-5C>T

Gene: TSC2 (TSC complex subunit 2; plus strand). Cytogenetic location: 16p13.3.
Variant type: single nucleotide variant.
Coding change: c.5161-5C>T on transcript NM_000548.5 (MANE Select); 5 bases into the intron before coding-DNA position 5161, C replaced by T.
Molecular consequence: intron variant.
Genome position (GRCh38, 1-based): chr16:2,088,222, C>T. VCF-style: chr16-2088222-C-T. GRCh37 (hg19) VCF-style: chr16-2138223-C-T.
Other names: c.5092-5C>T (NM_001114382.3); c.5032-5C>T (NM_021055.3); c.5032-17C>T (NM_001370405.1); c.4963-5C>T (NM_001363528.2); c.5029-5C>T (NM_001370404.1); c.4960-5C>T (NM_001077183.3); c.4852-5C>T (NM_001318827.2); c.4429-5C>T (NM_001318831.2); and 2 more.
Identifiers: ClinVar variation 825495 (VCV000825495.9), dbSNP rs775534948, ClinGen allele CA054284.
Genomic context (GRCh38, chr16:2,088,222, plus strand): 5'-GTGAGCTGGTGGGACAGGCCCAGGTGCCACCTGATAGTGAGCTCACCCCCTGCCTACGTC[C>T]CCAGATGGCCTCACAGGTGCATCATAGCCGCTCCAACCCCACCGATATCTACCCCTCCAA-3'

ClinVar aggregate classification (germline): Conflicting classifications of pathogenicity. Review status: criteria provided, conflicting classifications (1 of 4 stars). 4 submissions from 4 submitters: Uncertain significance (1); Likely benign (3). Last evaluated 2025-06-06.

Conditions:
Tuberous sclerosis 2 (TSC2). Identifiers: Orphanet 805, MedGen C1860707, MONDO:0013199, OMIM 613254.
Tuberous sclerosis syndrome (TSC). Also called: Tuberous Sclerosis Complex; Tuberous sclerosis. Identifiers: Orphanet 805, MedGen C0041341, MONDO:0001734.
Hereditary cancer-predisposing syndrome. Also called: Neoplastic Syndromes, Hereditary; Hereditary Cancer Syndrome; Hereditary neoplastic syndrome; Tumor predisposition. Identifiers: Orphanet 140162, MedGen C0027672, MeSH D009386, MONDO:0015356.

Allele frequency attached by ClinVar (database versions not stated): ExAC 0.00001.
gnomAD v4.1: 1 of 1,613,164 alleles (0.000062%); highest among the groups gnomAD compares: East Asian, 0.0022%; no homozygotes.

Submissions (4):

Myriad Genetics, Inc.
Classification: Likely benign for Tuberous sclerosis 2. Last evaluated: 2025-06-06. Review status: criteria provided, single submitter. Criteria: Myriad Autosomal Dominant, Autosomal Recessive and X-Linked Classification Criteria (2023). Collection method: clinical testing. Allele origin: unknown.
Comment: This variant is considered likely benign. This variant is intronic and is not expected to impact mRNA splicing.

Labcorp Genetics (formerly Invitae), Labcorp
Classification: Likely benign for Tuberous sclerosis 2. Last evaluated: 2024-01-16. Review status: criteria provided, single submitter. Criteria: Invitae Variant Classification Sherloc (09022015). Collection method: clinical testing. Allele origin: germline.

Ambry Genetics
Classification: Uncertain significance for Hereditary cancer-predisposing syndrome. Last evaluated: 2023-09-29. Review status: criteria provided, single submitter. Criteria: Ambry Variant Classification Scheme 2023. Collection method: clinical testing. Allele origin: germline.
Comment: The c.5161-5C>T intronic variant results from a C to T substitution 5 nucleotides upstream from coding exon 40 in the TSC2 gene. This nucleotide position is not well conserved in available vertebrate species. In silico splice site analysis predicts that this alteration will not have any significant effect on splicing; however, direct evidence is insufficient at this time (Ambry internal data). Since supporting evidence is limited at this time, the clinical significance of this alteration remains unclear.

All of Us Research Program, National Institutes of Health
Classification: Likely benign for Tuberous sclerosis syndrome. Last evaluated: 2023-05-16. Review status: criteria provided, single submitter. Criteria: ACMG Guidelines, 2015. Collection method: clinical testing. Allele origin: germline. Inheritance: Autosomal dominant inheritance. Observed: 1 variant allele, 1 heterozygote.
Comment: This study involves interpretation of variants in research participants for the purpose of population health screening. Participant phenotype was not available at the time of variant classification. Additional details can be found in publication PMID: 35346344, PMCID: PMC8962531